The following is an entry in ClinVar:

ClinVar aggregate classification (germline): Uncertain significance (1 of 4 stars; one submission).

Conditions:
TGFBI-related disorder. Also called: TGFBI-related condition.

Submission:

PreventionGenetics, part of Exact Sciences
Classification: Uncertain significance for TGFBI-related condition. Last evaluated: 2024-11-06. Review status: criteria provided, single submitter. Criteria: ACMG Guidelines, 2015. Collection method: clinical testing. Allele origin: germline.
Comment: The TGFBI c.1646C>A variant is predicted to result in the amino acid substitution p.Ala549Asp. To our knowledge, this variant has not been reported in the literature or in a large population database (gnomAD), indicating this variant is rare. An alternate variant at the same amino acid (p.Ala549Thr) has been reported in the compound heterozygous state in a patient with granular corneal dystrophy type 1(Lakshminarayanan et al. 2014. PubMed ID: 25284770). At this time, the clinical significance of this variant is uncertain due to the absence of conclusive functional and genetic evidence.

NM_000358.3(TGFBI):c.1646C>A (p.Ala549Asp)

Gene: TGFBI (transforming growth factor beta induced; plus strand). Cytogenetic location: 5q31.1.
Variant type: single nucleotide variant.
Coding change: c.1646C>A on transcript NM_000358.3 (MANE Select); coding-DNA position 1646, C replaced by A.
Protein change: p.Ala549Asp; replaces alanine 549 with aspartic acid.
Molecular consequence: missense variant.
Genome position (GRCh38, 1-based): chr5:136,056,763, C>A. VCF-style: chr5-136056763-C-A. GRCh37 (hg19) VCF-style: chr5-135392452-C-A.
Other names: short protein forms A549D.
Identifiers: ClinVar variation 4999950 (VCV004999950.1).